The following is an entry in ClinVar:

ClinVar aggregate classification (germline): Uncertain significance (1 of 4 stars; one submission).

Submission:

Labcorp Genetics (formerly Invitae), Labcorp
Classification: Uncertain significance. Last evaluated: 2022-12-28. Review status: criteria provided, single submitter. Criteria: Invitae Variant Classification Sherloc (09022015). Collection method: clinical testing. Allele origin: germline.
Comment: This variant is not present in population databases (gnomAD no frequency). In summary, the available evidence is currently insufficient to determine the role of this variant in disease. Therefore, it has been classified as a Variant of Uncertain Significance. Experimental studies and prediction algorithms are not available or were not evaluated, and the functional significance of this variant is currently unknown. This variant has not been reported in the literature in individuals affected with FZD4-related conditions. This variant, c.788_790del, results in the deletion of 1 amino acid(s) of the FZD4 protein (p.Asn263del), but otherwise preserves the integrity of the reading frame.

NM_012193.4(FZD4):c.785ATA[1] (p.Asn263del)

Genes: FZD4 (frizzled class receptor 4; minus strand), PRSS23 (serine protease 23; plus strand). Cytogenetic location: 11q14.2.
Variant type: Microsatellite.
Coding change: c.785ATA[1] on transcript NM_012193.4 (MANE Select); one copy of the 3-base unit ATA starting at c.785; the reference has two copies in a row; one copy, 3 bases deleted.
Protein change: p.Asn263del; deletes asparagine 263.
Molecular consequence: inframe deletion. On other transcripts: non-coding transcript variant (2).
Genome position (GRCh38, 1-based): chr11:86,951,966-86,951,968, TAT deleted on the plus strand (ATA on the coding strand, the reverse complement: FZD4 is on the minus strand); deleting any 3 consecutive bases within chr11:86,951,966-86,951,971 gives the same sequence; the position shown is the placement nearest the transcript's 3' end. VCF-style (leftmost placement, unchanged base first): chr11-86951965-ATAT-A. GRCh37 (hg19) VCF-style: chr11-86663007-ATAT-A.
Other names: short protein forms N263del.
Identifiers: ClinVar variation 2824335 (VCV002824335.3), dbSNP rs2495867627, ClinGen allele CA2615455312.